The following is an entry in ClinVar:

NM_001144967.3(NEDD4L):c.742C>T (p.Arg248Cys)

Gene: NEDD4L (NEDD4 like E3 ubiquitin protein ligase; plus strand). Cytogenetic location: 18q21.31.
Variant type: single nucleotide variant.
Coding change: c.742C>T on transcript NM_001144967.3 (MANE Select); coding-DNA position 742, C replaced by T.
Protein change: p.Arg248Cys; replaces arginine 248 with cysteine.
Molecular consequence: missense variant.
Genome position (GRCh38, 1-based): chr18:58,329,056, C>T. VCF-style: chr18-58329056-C-T. GRCh37 (hg19) VCF-style: chr18-55996288-C-T.
Other names: c.379C>T, p.Arg127Cys (NM_001144964.1, NM_001144965.2, NM_001144966.3 and 2 more transcripts); c.718C>T, p.Arg240Cys (NM_001144968.2, NM_001144969.2); c.742C>T, p.Arg248Cys (NM_001243960.2, NM_015277.6); short protein forms R127C, R248C, R240C.
Identifiers: ClinVar variation 1376554 (VCV001376554.9), dbSNP rs770645785, ClinGen allele CA8975458.

ClinVar aggregate classification (germline): Uncertain significance. Review status: criteria provided, single submitter (1 of 4 stars). 2 submissions from 2 submitters: Uncertain significance (1). 1 of the submissions does not count toward it. Last evaluated 2023-04-15.

Conditions:
Periventricular nodular heterotopia 7 (PVNH7). Identifiers: MedGen C4310669, MONDO:0014966, OMIM 617201.

Allele frequency attached by ClinVar (database versions not stated): gnomAD 0.00001; gnomAD exomes 0.00001 and 0.00002; ExAC 0.00002.
gnomAD v4.1: 12 of 1,613,890 alleles (0.00074%); highest among the groups gnomAD compares: South Asian, 0.0055%; no homozygotes.

Submissions (2):

Labcorp Genetics (formerly Invitae), Labcorp
Classification: Uncertain significance. Last evaluated: 2023-04-15. Review status: criteria provided, single submitter. Criteria: Invitae Variant Classification Sherloc (09022015). Collection method: clinical testing. Allele origin: germline.
Comment: This sequence change replaces arginine, which is basic and polar, with cysteine, which is neutral and slightly polar, at codon 248 of the NEDD4L protein (p.Arg248Cys). This variant is present in population databases (rs770645785, gnomAD 0.02%). In summary, the available evidence is currently insufficient to determine the role of this variant in disease. Therefore, it has been classified as a Variant of Uncertain Significance. Advanced modeling of protein sequence and biophysical properties (such as structural, functional, and spatial information, amino acid conservation, physicochemical variation, residue mobility, and thermodynamic stability) performed at Invitae indicates that this missense variant is not expected to disrupt NEDD4L protein function. ClinVar contains an entry for this variant (Variation ID: 1376554). This variant has not been reported in the literature in individuals affected with NEDD4L-related conditions.

Hong-Tao Li Lab, Institute of Brain Science and Brain-inspired Research, Shandong First Medical University & Shandong Academy of Medical Sciences China
Classification: Uncertain significance for Periventricular nodular heterotopia 7. Review status: no assertion criteria provided. Collection method: research. Allele origin: germline. Inheritance: Autosomal dominant inheritance. Affected: yes. Observed: 1 variant allele, 1 heterozygote. Not counted in ClinVar's aggregate classification.
Comment: Observed in affected individuals from a Pakistani neurodevelopmental-disorder research cohort of 263 individuals. Classification assigned using the ACMG/AMP framework. Population-frequency evidence: gnomAD AF 2.496e-05.